The following is an entry in ClinVar:

ClinVar aggregate classification (germline): Uncertain significance (1 of 4 stars; one submission).

Conditions:
Cerebellar ataxia, impaired intellectual development, and dysequilibrium syndrome 1. Also called: VLDLR Cerebellar Hypoplasia; Cerebellar ataxia, intellectual disability, and dysequilibrium syndrome 1; CEREBELLAR ATAXIA AND MENTAL RETARDATION WITH OR WITHOUT QUADRUPEDAL LOCOMOTION 1; CEREBELLAR ATAXIA, CONGENITAL, AND MENTAL RETARDATION, AUTOSOMAL RECESSIVE; Cerebellar hypoplasia and mental retardation with or without quadrupedal locomotion 1; Cerebellar ataxia, mental retardation, and dysequilibrium syndrome 1. Identifiers: Orphanet 1766, MedGen C4551552, MONDO:0024542, OMIM 224050.

Allele frequency attached by ClinVar (database versions not stated): gnomAD exomes below 0.00001 and 0.00001; ExAC 0.00001.
gnomAD v4.1: 4 of 1,614,206 alleles (0.00025%); highest among the groups gnomAD compares: Non-Finnish European, 0.00034%; no homozygotes.

Submission:

Baylor Genetics
Classification: Uncertain significance for Cerebellar ataxia, impaired intellectual development, and dysequilibrium syndrome 1. Last evaluated: 2018-05-18. Review status: criteria provided, single submitter. Criteria: ACMG Guidelines, 2015. Collection method: clinical testing. Allele origin: unknown. Affected: yes.
Comment: This variant was determined to be of uncertain significance according to ACMG Guidelines, 2015 [PMID:25741868].

NM_003383.5(VLDLR):c.299G>C (p.Gly100Ala)

Gene: VLDLR (very low density lipoprotein receptor; plus strand). Cytogenetic location: 9p24.2.
Variant type: single nucleotide variant.
Coding change: c.299G>C on transcript NM_003383.5 (MANE Select); coding-DNA position 299, G replaced by C.
Protein change: p.Gly100Ala; replaces glycine 100 with alanine.
Molecular consequence: missense variant.
Genome position (GRCh38, 1-based): chr9:2,639,955, G>C. VCF-style: chr9-2639955-G-C. GRCh37 (hg19) VCF-style: chr9-2639955-G-C.
Other names: c.299G>C, p.Gly100Ala (NM_001018056.3, NM_001322225.2, NM_001322226.2); short protein forms G100A.
Identifiers: ClinVar variation 1032126 (VCV001032126.1), dbSNP rs753848585, ClinGen allele CA4964480.
Genomic context (GRCh38, chr9:2,639,955, plus strand): 5'-ACAATGGCCAGTGTGTTCCCAGCCGATGGAAGTGTGATGGAGATCCTGACTGCGAAGATG[G>C]TTCAGATGAAAGCCCAGAACAGTGCCGTGAGTGTAACTTGCTTTGGCCTTGAACTTTGCC-3'
Protein context (NP_003374.3, residues 90-110): KCDGDPDCED[Gly100Ala]SDESPEQCHM